The following is an entry in ClinVar:

NM_016222.4(DDX41):c.52G>A (p.Ala18Thr)

Gene: DDX41 (DEAD-box helicase 41; minus strand). Cytogenetic location: 5q35.3.
Variant type: single nucleotide variant.
Coding change: c.52G>A on transcript NM_016222.4 (MANE Select); coding-DNA position 52, G replaced by A.
Protein change: p.Ala18Thr; replaces alanine 18 with threonine.
Molecular consequence: missense variant. On other transcripts: 5 prime UTR variant (2).
Genome position (GRCh38, 1-based): chr5:177,516,811, C>T on the plus strand (G>A on the coding strand, the complement: DDX41 is on the minus strand). VCF-style: chr5-177516811-C-T. GRCh37 (hg19) VCF-style: chr5-176943812-C-T.
Other names: c.-604G>A (NM_001321732.2); c.-396G>A (NM_001321830.2); short protein forms A18T.
Identifiers: ClinVar variation 3838909 (VCV003838909.2).

ClinVar aggregate classification (germline): Conflicting classifications of pathogenicity. Review status: criteria provided, conflicting classifications (1 of 4 stars). 2 submissions from 2 submitters: Uncertain significance (1); Likely benign (1). Last evaluated 2025-03-02.

Conditions:
Inborn genetic diseases. Identifiers: MedGen C0950123, MeSH D030342.

gnomAD v4.1: 46 of 1,612,452 alleles (0.0029%); highest among the groups gnomAD compares: Non-Finnish European, 0.0038%; no homozygotes.

Submissions (2):

Labcorp Genetics (formerly Invitae), Labcorp
Classification: Uncertain significance. Last evaluated: 2025-03-02. Review status: criteria provided, single submitter. Criteria: Invitae Variant Classification Sherloc (09022015). Collection method: clinical testing. Allele origin: germline.
Comment: This sequence change replaces alanine, which is neutral and non-polar, with threonine, which is neutral and polar, at codon 18 of the DDX41 protein (p.Ala18Thr). This variant is present in population databases (rs747566780, gnomAD 0.003%). This variant has not been reported in the literature in individuals affected with DDX41-related conditions. An algorithm developed to predict the effect of missense changes on protein structure and function (PolyPhen-2) suggests that this variant is likely to be disruptive. In summary, the available evidence is currently insufficient to determine the role of this variant in disease. Therefore, it has been classified as a Variant of Uncertain Significance.

Ambry Genetics
Classification: Likely benign for Inborn genetic diseases. Last evaluated: 2025-01-06. Review status: criteria provided, single submitter. Criteria: Ambry Variant Classification Scheme 2023. Collection method: clinical testing. Allele origin: germline.